The following is an entry in ClinVar:

ClinVar aggregate classification (germline): Pathogenic (1 of 4 stars; one submission).

Conditions:
Long QT syndrome (LQTS). Identifiers: MedGen C0023976, MeSH D008133, MONDO:0002442. Disease mechanism: loss of function. Inheritance: Various modes of inheritance.

Submission:

Labcorp Genetics (formerly Invitae), Labcorp
Classification: Pathogenic for Long QT syndrome. Last evaluated: 2023-04-13. Review status: criteria provided, single submitter. Criteria: Invitae Variant Classification Sherloc (09022015). Collection method: clinical testing. Allele origin: germline.
Comment: This variant is not present in population databases (gnomAD no frequency). This sequence change replaces glycine, which is neutral and non-polar, with arginine, which is basic and polar, at codon 325 of the KCNQ1 protein (p.Gly325Arg). Advanced modeling of protein sequence and biophysical properties (such as structural, functional, and spatial information, amino acid conservation, physicochemical variation, residue mobility, and thermodynamic stability) performed at Invitae indicates that this missense variant is expected to disrupt KCNQ1 protein function. ClinVar contains an entry for this variant (Variation ID: 660595). This missense change has been observed in individual(s) with long QT syndrome (PMID: 10973849, 15234419, 21118729, 22456477, 23000022, 23092362, 23158531). It has also been observed to segregate with disease in related individuals. Experimental studies have shown that this missense change affects KCNQ1 function (PMID: 23000022, 23092362). For these reasons, this variant has been classified as Pathogenic.

Literature cited by the submitters: PubMed 10973849; PubMed 15234419; PubMed 21118729; PubMed 22456477; PubMed 23000022; PubMed 23092362; PubMed 23158531.

NM_000218.3(KCNQ1):c.973G>C (p.Gly325Arg)

Gene: KCNQ1 (potassium voltage-gated channel subfamily Q member 1; plus strand). Cytogenetic location: 11p15.5.
Variant type: single nucleotide variant.
Coding change: c.973G>C on transcript NM_000218.3 (MANE Select); coding-DNA position 973, G replaced by C.
Protein change: p.Gly325Arg; replaces glycine 325 with arginine.
Molecular consequence: missense variant.
Genome position (GRCh38, 1-based): chr11:2,583,486, G>C. VCF-style: chr11-2583486-G-C. GRCh37 (hg19) VCF-style: chr11-2604716-G-C.
Other names: c.973G>C, p.Gly325Arg (NM_001406836.1); c.703G>C, p.Gly235Arg (NM_001406837.1); c.529G>C, p.Gly177Arg (NM_001406838.1); c.592G>C, p.Gly198Arg (NM_181798.2); short protein forms G198R, G325R, G177R, G235R.
Identifiers: ClinVar variation 660595 (VCV000660595.10), dbSNP rs199472756, ClinGen allele CA379133027.